The following is an entry in ClinVar:

NM_000426.4(LAMA2):c.4638C>A (p.Cys1546Ter)

Gene: LAMA2 (laminin subunit alpha 2; plus strand). Cytogenetic location: 6q22.33.
Variant type: single nucleotide variant.
Coding change: c.4638C>A on transcript NM_000426.4 (MANE Select); coding-DNA position 4638, C replaced by A.
Protein change: p.Cys1546Ter; replaces cysteine 1546 with a stop codon.
Molecular consequence: nonsense.
Genome position (GRCh38, 1-based): chr6:129,353,278, C>A. VCF-style: chr6-129353278-C-A. GRCh37 (hg19) VCF-style: chr6-129674423-C-A.
Other names: c.4638C>A, p.Cys1546Ter (NM_001079823.2); short protein forms C1546*.
Identifiers: ClinVar variation 2866463 (VCV002866463.3), dbSNP rs1467076006, ClinGen allele CA365618668.
Genomic context (GRCh38, chr6:129,353,278, plus strand): 5'-ATGTGAGTGTGATCCCTATGGCTCACTGCCTGTGCCCTGTGACCCTGTCACAGGATTCTG[C>A]ACGTGCCGACCTGGAGCCACGGGAAGGAAGTGTGACGGCTGCAAGCACTGGCATGCACGC-3'

ClinVar aggregate classification (germline): Pathogenic (1 of 4 stars; one submission).

Conditions:
LAMA2-related muscular dystrophy (LAMA2-RD). Also called: Laminin alpha 2-related dystrophy. Identifiers: MedGen C5679788, MONDO:0100228.

Submission:

Labcorp Genetics (formerly Invitae), Labcorp
Classification: Pathogenic for LAMA2-related muscular dystrophy. Last evaluated: 2024-05-21. Review status: criteria provided, single submitter. Criteria: Invitae Variant Classification Sherloc (09022015). Collection method: clinical testing. Allele origin: germline.
Comment: This sequence change creates a premature translational stop signal (p.Cys1546*) in the LAMA2 gene. It is expected to result in an absent or disrupted protein product. Loss-of-function variants in LAMA2 are known to be pathogenic (PMID: 18700894, 32904964). This variant is not present in population databases (gnomAD no frequency). This premature translational stop signal has been observed in individual(s) with congenital muscular dystrophy (PMID: 9541105). For these reasons, this variant has been classified as Pathogenic.

Literature cited by the submitters: PubMed 18700894; PubMed 32904964; PubMed 9541105.